The following is an entry in ClinVar:

ClinVar aggregate classification (germline): Uncertain significance. Review status: criteria provided, multiple submitters, no conflicts (2 of 4 stars). 2 submissions from 2 submitters: Uncertain significance (2). Last evaluated 2024-07-08.

Conditions:
Progressive familial heart block type IB (PFHB1B). Identifiers: Orphanet 871, MedGen C1970298, MONDO:0011474, OMIM 604559.

Allele frequency attached by ClinVar (database versions not stated): ExAC 0.00001.
gnomAD v4.1: 2 of 1,614,002 alleles (0.00012%); highest among the groups gnomAD compares: South Asian, 0.0022%; no homozygotes.

Submissions (2):

Labcorp Genetics (formerly Invitae), Labcorp
Classification: Uncertain significance for Progressive familial heart block type IB. Last evaluated: 2024-07-08. Review status: criteria provided, single submitter. Criteria: Invitae Variant Classification Sherloc (09022015). Collection method: clinical testing. Allele origin: germline.
Comment: This sequence change replaces glycine, which is neutral and non-polar, with arginine, which is basic and polar, at codon 976 of the TRPM4 protein (p.Gly976Arg). This variant is present in population databases (rs770301185, gnomAD 0.003%). This variant has not been reported in the literature in individuals affected with TRPM4-related conditions. An algorithm developed to predict the effect of missense changes on protein structure and function (PolyPhen-2) suggests that this variant is likely to be disruptive. In summary, the available evidence is currently insufficient to determine the role of this variant in disease. Therefore, it has been classified as a Variant of Uncertain Significance.

GeneDx
Classification: Uncertain significance. Last evaluated: 2023-05-22. Review status: criteria provided, single submitter. Criteria: GeneDx Variant Classification Process June 2021. Collection method: clinical testing. Allele origin: germline. Affected: yes.
Comment: Not observed at significant frequency in large population cohorts (gnomAD); In silico analysis supports that this missense variant has a deleterious effect on protein structure/function; Has not been previously published as pathogenic or benign to our knowledge

NM_017636.4(TRPM4):c.2926G>A (p.Gly976Arg)

Gene: TRPM4 (transient receptor potential cation channel subfamily M member 4; plus strand). Cytogenetic location: 19q13.33.
Variant type: single nucleotide variant.
Coding change: c.2926G>A on transcript NM_017636.4 (MANE Select); coding-DNA position 2926, G replaced by A.
Protein change: p.Gly976Arg; replaces glycine 976 with arginine.
Molecular consequence: missense variant.
Genome position (GRCh38, 1-based): chr19:49,200,758, G>A. VCF-style: chr19-49200758-G-A. GRCh37 (hg19) VCF-style: chr19-49704015-G-A.
Other names: c.2491G>A, p.Gly831Arg (NM_001195227.2); c.2581G>A, p.Gly861Arg (NM_001321281.2); c.1318G>A, p.Gly440Arg (NM_001321282.2); c.2404G>A, p.Gly802Arg (NM_001321283.2); c.1864G>A, p.Gly622Arg (NM_001321285.2); c.2926G>A (NM_017636.3); short protein forms G440R, G831R, G861R, G802R, G622R, G976R.
Identifiers: ClinVar variation 2904105 (VCV002904105.4), dbSNP rs770301185, ClinGen allele CA9569709.